The following is an entry in ClinVar:

NM_018297.4(NGLY1):c.1901G>C (p.Arg634Thr)

Gene: NGLY1 (N-glycanase 1; minus strand). Cytogenetic location: 3p24.2.
Variant type: single nucleotide variant.
Coding change: c.1901G>C on transcript NM_018297.4 (MANE Select); coding-DNA position 1901, G replaced by C.
Protein change: p.Arg634Thr; replaces arginine 634 with threonine.
Molecular consequence: missense variant. On other transcripts: 3 prime UTR variant (1).
Genome position (GRCh38, 1-based): chr3:25,719,524, C>G on the plus strand (G>C on the coding strand, the complement: NGLY1 is on the minus strand). VCF-style: chr3-25719524-C-G. GRCh37 (hg19) VCF-style: chr3-25761015-C-G.
Other names: c.1847G>C, p.Arg616Thr (NM_001145293.2); c.1775G>C, p.Arg592Thr (NM_001145294.2); c.*46G>C (NM_001145295.2); short protein forms R592T, R616T, R634T.
Identifiers: ClinVar variation 1006283 (VCV001006283.2), dbSNP rs148625951, ClinGen allele CA2289033.
Genomic context (GRCh38, chr3:25,719,524, plus strand): 5'-AGGTCACTGAATTTTATAATTATCTCCAAACAATTTTCTTCATGGTCATTTAAGCTTTGT[C>G]TAAACAGCTGGGTGTGTTGCCAAGCGACATCACCATCTCCTCTGCTTAATTCTGCTTCCA-3'
Protein context (NP_060767.2, residues 624-644): DVAWQHTQLF[Arg634Thr]QSLNDHEENC

ClinVar aggregate classification (germline): Uncertain significance (1 of 4 stars; one submission).

Conditions:
Congenital disorder of deglycosylation (CDDG). Identifiers: MedGen C3808991, MONDO:0031376.

Allele frequency attached by ClinVar (database versions not stated): ExAC 0.00001; gnomAD 0.00001; TOPMed 0.00001; ESP Exome Variant Server 0.00008; gnomAD exomes 0.00001.
gnomAD v4.1: 4 of 1,613,882 alleles (0.00025%); highest among the groups gnomAD compares: African/African-American, 0.0013%; no homozygotes.

Submission:

Labcorp Genetics (formerly Invitae), Labcorp
Classification: Uncertain significance for Congenital disorder of deglycosylation. Last evaluated: 2021-09-01. Review status: criteria provided, single submitter. Criteria: Invitae Variant Classification Sherloc (09022015). Collection method: clinical testing. Allele origin: germline.
Comment: This sequence change replaces arginine with threonine at codon 634 of the NGLY1 protein (p.Arg634Thr). The arginine residue is highly conserved and there is a moderate physicochemical difference between arginine and threonine. This variant is present in population databases (rs148625951, ExAC 0.01%). This variant has not been reported in the literature in individuals affected with NGLY1-related conditions. Algorithms developed to predict the effect of missense changes on protein structure and function are either unavailable or do not agree on the potential impact of this missense change (SIFT: "Deleterious"; PolyPhen-2: "Probably Damaging"; Align-GVGD: "Class C0"). In summary, the available evidence is currently insufficient to determine the role of this variant in disease. Therefore, it has been classified as a Variant of Uncertain Significance.